The following is an entry in ClinVar:

NM_001267550.2(TTN):c.97294C>T (p.Leu32432=)

Genes: TTN (titin; minus strand), TTN-AS1 (TTN antisense RNA 1; plus strand). Cytogenetic location: 2q31.2.
Variant type: single nucleotide variant.
Coding change: c.97294C>T on transcript NM_001267550.2 (MANE Select); coding-DNA position 97294, C replaced by T.
Protein change: p.Leu32432=; no amino-acid change (leucine 32432 retained).
Molecular consequence: synonymous variant.
Genome position (GRCh38, 1-based): chr2:178,542,462, G>A on the plus strand (C>T on the coding strand, the complement: TTN is on the minus strand). VCF-style: chr2-178542462-G-A. GRCh37 (hg19) VCF-style: chr2-179407189-G-A.
Other names: p.Leu30791=; c.92371C>T, p.Leu30791= (NM_001256850.1); c.70099C>T, p.Leu23367= (NM_003319.4); c.89590C>T, p.Leu29864= (NM_133378.4); c.70474C>T, p.Leu23492= (NM_133432.3); c.70675C>T, p.Leu23559= (NM_133437.4).
Identifiers: ClinVar variation 512804 (VCV000512804.30), dbSNP rs72648267, ClinGen allele CA1986582.

ClinVar aggregate classification (germline): Conflicting classifications of pathogenicity. Review status: criteria provided, conflicting classifications (1 of 4 stars). 6 submissions from 6 submitters: Uncertain significance (1); Likely benign (5). Last evaluated 2025-11-17.

Conditions:
Cardiovascular phenotype. Identifiers: MedGen CN230736.
Autosomal recessive limb-girdle muscular dystrophy type 2J (LGMDR10). Also called: Limb-girdle muscular dystrophy, type 2J; MUSCULAR DYSTROPHY, LIMB-GIRDLE, AUTOSOMAL RECESSIVE 10. Identifiers: Orphanet 140922, MedGen C1837342, MONDO:0012127, OMIM 608807.
Dilated cardiomyopathy 1G (CMD1G). Identifiers: Orphanet 154, MedGen C1858763, MONDO:0011400, OMIM 604145.

Allele frequency attached by ClinVar (database versions not stated): gnomAD 0.00001; gnomAD exomes 0.00001; TOPMed 0.00001; ExAC 0.00002.
gnomAD v4.1: 10 of 1,613,584 alleles (0.00062%); highest among the groups gnomAD compares: Non-Finnish European, 0.00085%; no homozygotes.

Submissions (6):

Labcorp Genetics (formerly Invitae), Labcorp
Classification: Likely benign for Dilated cardiomyopathy 1G; Autosomal recessive limb-girdle muscular dystrophy type 2J. Last evaluated: 2025-11-17. Review status: criteria provided, single submitter. Criteria: Invitae Variant Classification Sherloc (09022015). Collection method: clinical testing. Allele origin: germline.

Ambry Genetics
Classification: Likely benign for Cardiovascular phenotype. Last evaluated: 2025-10-23. Review status: criteria provided, single submitter. Criteria: Ambry Variant Classification Scheme 2023. Collection method: clinical testing. Allele origin: germline.

Mayo Clinic Laboratories, Mayo Clinic
Classification: Likely benign. Last evaluated: 2025-07-01. Review status: criteria provided, single submitter. Criteria: ACMG Guidelines, 2015. Collection method: clinical testing. Allele origin: germline. Observed: 3 variant alleles.
Comment: BP4, BP7

Blueprint Genetics
Classification: Likely benign. Last evaluated: 2022-03-21. Review status: criteria provided, single submitter. Criteria: ACMG Guidelines, 2015. Collection method: clinical testing. Allele origin: germline.

Eurofins Ntd Llc (ga)
Classification: Uncertain significance. Last evaluated: 2018-06-01. Review status: criteria provided, single submitter. Criteria: EGL ClinVar v180209 classification definitions. Collection method: clinical testing. Allele origin: germline. Observed: 1 variant allele, 1 heterozygote.

GeneDx
Classification: Likely benign. Last evaluated: 2017-10-16. Review status: criteria provided, single submitter. Criteria: GeneDx Variant Classification (06012015). Collection method: clinical testing. Allele origin: germline. Affected: yes.
Comment: This variant is considered likely benign or benign based on one or more of the following criteria: it is a conservative change, it occurs at a poorly conserved position in the protein, it is predicted to be benign by multiple in silico algorithms, and/or has population frequency not consistent with disease.